The following is an entry in ClinVar:

NM_001042492.3(NF1):c.5158G>C (p.Glu1720Gln)

Gene: NF1 (neurofibromin 1; plus strand). Cytogenetic location: 17q11.2.
Variant type: single nucleotide variant.
Coding change: c.5158G>C on transcript NM_001042492.3 (MANE Select); coding-DNA position 5158, G replaced by C.
Protein change: p.Glu1720Gln; replaces glutamic acid 1720 with glutamine.
Molecular consequence: missense variant.
Genome position (GRCh38, 1-based): chr17:31,326,142, G>C. VCF-style: chr17-31326142-G-C. GRCh37 (hg19) VCF-style: chr17-29653160-G-C.
Other names: c.5095G>C, p.Glu1699Gln (NM_000267.4); short protein forms E1699Q, E1720Q.
Identifiers: ClinVar variation 1709783 (VCV001709783.6), dbSNP rs2069335393, ClinGen allele CA399007838.

ClinVar aggregate classification (germline): Uncertain significance. Review status: criteria provided, multiple submitters, no conflicts (2 of 4 stars). 3 submissions from 3 submitters: Uncertain significance (3). Last evaluated 2026-03-20.

Conditions:
Hereditary cancer-predisposing syndrome. Also called: Hereditary Cancer Syndrome; Neoplastic Syndromes, Hereditary; Hereditary neoplastic syndrome; Tumor predisposition. Identifiers: Orphanet 140162, MedGen C0027672, MeSH D009386, MONDO:0015356.
Cardiovascular phenotype. Identifiers: MedGen CN230736.
Neurofibromatosis, type 1 (NF1). Also called: VON RECKLINGHAUSEN DISEASE; Neurofibromatosis, type I; NEUROFIBROMATOSIS, TYPE I, SOMATIC; Peripheral type neurofibromatosis. Identifiers: Orphanet 636, MedGen C0027831, MONDO:0018975, OMIM 162200. Disease mechanism: loss of function.

Allele frequency attached by ClinVar (database versions not stated): gnomAD exomes below 0.00001.
gnomAD v4.1: 1 of 1,613,164 alleles (0.000062%); highest among the groups gnomAD compares: Non-Finnish European, 0.000085%; no homozygotes.

Submissions (3):

Ambry Genetics
Classification: Uncertain significance for Cardiovascular phenotype; Hereditary cancer-predisposing syndrome. Last evaluated: 2026-03-20. Review status: criteria provided, single submitter. Criteria: Ambry Variant Classification Scheme 2023. Collection method: clinical testing. Allele origin: germline.
Comment: The p.E1699Q variant (also known as c.5095G>C), located in coding exon 36 of the NF1 gene, results from a G to C substitution at nucleotide position 5095. The glutamic acid at codon 1699 is replaced by glutamine, an amino acid with highly similar properties. This amino acid position is well conserved in available vertebrate species. In addition, this alteration is predicted to be tolerated by in silico analysis. Based on the available evidence, the clinical significance of this variant remains unclear.

Labcorp Genetics (formerly Invitae), Labcorp
Classification: Uncertain significance for Neurofibromatosis, type 1. Last evaluated: 2023-03-26. Review status: criteria provided, single submitter. Criteria: Invitae Variant Classification Sherloc (09022015). Collection method: clinical testing. Allele origin: germline.
Comment: This variant has not been reported in the literature in individuals affected with NF1-related conditions. In summary, the available evidence is currently insufficient to determine the role of this variant in disease. Therefore, it has been classified as a Variant of Uncertain Significance. Advanced modeling of protein sequence and biophysical properties (such as structural, functional, and spatial information, amino acid conservation, physicochemical variation, residue mobility, and thermodynamic stability) has been performed at Invitae for this missense variant, however the output from this modeling did not meet the statistical confidence thresholds required to predict the impact of this variant on NF1 protein function. ClinVar contains an entry for this variant (Variation ID: 1709783). This variant is not present in population databases (gnomAD no frequency). This sequence change replaces glutamic acid, which is acidic and polar, with glutamine, which is neutral and polar, at codon 1699 of the NF1 protein (p.Glu1699Gln).

MGZ Medical Genetics Center
Classification: Uncertain significance for Neurofibromatosis, type 1. Last evaluated: 2022-07-11. Review status: criteria provided, single submitter. Criteria: ACMG Guidelines, 2015. Collection method: clinical testing. Allele origin: germline. Affected: yes. Observed: 1 variant allele.
Comment: ACMG criteria applied: PM2_SUP, BP4